The following is an entry in ClinVar:

ClinVar aggregate classification (germline): Uncertain significance (1 of 4 stars; one submission).

Conditions:
Aortic aneurysm, familial thoracic 7 (AAT7). Also called: AORTIC DISSECTION, FAMILIAL, WITH OR WITHOUT AORTIC ANEURYSM. Identifiers: MedGen C3151077, MONDO:0013418, OMIM 613780.

Allele frequency attached by ClinVar (database versions not stated): gnomAD 0.00001; TOPMed 0.00001.
gnomAD v4.1: 2 of 1,614,112 alleles (0.00012%); highest among the groups gnomAD compares: African/African-American, 0.0013%; no homozygotes.

Submission:

Labcorp Genetics (formerly Invitae), Labcorp
Classification: Uncertain significance for Aortic aneurysm, familial thoracic 7. Last evaluated: 2025-08-24. Review status: criteria provided, single submitter. Criteria: Invitae Variant Classification Sherloc (09022015). Collection method: clinical testing. Allele origin: germline.
Comment: This sequence change replaces glycine, which is neutral and non-polar, with glutamic acid, which is acidic and polar, at codon 1492 of the MYLK protein (p.Gly1492Glu). This variant is not present in population databases (gnomAD no frequency). This variant has not been reported in the literature in individuals affected with MYLK-related conditions. ClinVar contains an entry for this variant (Variation ID: 1038554). Invitae Evidence Modeling of protein sequence and biophysical properties (such as structural, functional, and spatial information, amino acid conservation, physicochemical variation, residue mobility, and thermodynamic stability) has been performed for this missense variant. However, the output from this modeling did not meet the statistical confidence thresholds required to predict the impact of this variant on MYLK protein function. In summary, the available evidence is currently insufficient to determine the role of this variant in disease. Therefore, it has been classified as a Variant of Uncertain Significance.

NM_053025.4(MYLK):c.4475G>A (p.Gly1492Glu)

Gene: MYLK (myosin light chain kinase; minus strand). Cytogenetic location: 3q21.1.
Variant type: single nucleotide variant.
Coding change: c.4475G>A on transcript NM_053025.4 (MANE Select); coding-DNA position 4475, G replaced by A.
Protein change: p.Gly1492Glu; replaces glycine 1492 with glutamic acid.
Molecular consequence: missense variant.
Genome position (GRCh38, 1-based): chr3:123,647,368, C>T on the plus strand (G>A on the coding strand, the complement: MYLK is on the minus strand). VCF-style: chr3-123647368-C-T. GRCh37 (hg19) VCF-style: chr3-123366215-C-T.
Other names: c.3947G>A, p.Gly1316Glu (NM_001321309.2); c.4268G>A, p.Gly1423Glu (NM_053026.4, NM_053028.4); c.4475G>A, p.Gly1492Glu (NM_053027.4); short protein forms G1423E, G1316E, G1492E.
Identifiers: ClinVar variation 1038554 (VCV001038554.9), dbSNP rs1214008612, ClinGen allele CA354227273.